The following is an entry in ClinVar:

ClinVar aggregate classification (germline): Likely benign. Review status: criteria provided, single submitter (1 of 4 stars). 2 submissions from 2 submitters: Likely benign (1). 1 of the submissions does not count toward it. Last evaluated 2022-06-20.

Conditions:
IFT27-related disorder. Also called: IFT27-related condition.

Allele frequency attached by ClinVar (database versions not stated): gnomAD exomes below 0.00001; ExAC 0.00001; gnomAD 0.00001.
gnomAD v4.1: 12 of 1,613,454 alleles (0.00074%); highest among the groups gnomAD compares: Non-Finnish European, 0.001%; no homozygotes.

Submissions (2):

Labcorp Genetics (formerly Invitae), Labcorp
Classification: Likely benign. Last evaluated: 2022-06-20. Review status: criteria provided, single submitter. Criteria: Invitae Variant Classification Sherloc (09022015). Collection method: clinical testing. Allele origin: germline.

PreventionGenetics, part of Exact Sciences
Classification: Likely benign for IFT27-related condition. Last evaluated: 2020-09-17. Review status: no assertion criteria provided. Collection method: clinical testing. Allele origin: germline. Not counted in ClinVar's aggregate classification.
Comment: This variant is classified as likely benign based on ACMG/AMP sequence variant interpretation guidelines (Richards et al. 2015 PMID: 25741868, with internal and published modifications).

NM_001177701.3(IFT27):c.558A>C (p.Ala186=)

Genes: CACNG2-DT (CACNG2 divergent transcript; plus strand), IFT27 (intraflagellar transport 27; minus strand). Cytogenetic location: 22q12.3.
Variant type: single nucleotide variant.
Coding change: c.558A>C on transcript NM_001177701.3 (MANE Select); coding-DNA position 558, A replaced by C.
Protein change: p.Ala186=; no amino-acid change (alanine 186 retained).
Molecular consequence: synonymous variant.
Genome position (GRCh38, 1-based): chr22:36,758,314, T>G on the plus strand (A>C on the coding strand, the complement: IFT27 is on the minus strand). VCF-style: chr22-36758314-T-G. GRCh37 (hg19) VCF-style: chr22-37154358-T-G.
Other names: c.558A>C, p.Ala186= (NM_001363003.2); c.555A>C, p.Ala185= (NM_006860.5); c.555A>C (NM_006860.4).
Identifiers: ClinVar variation 1614296 (VCV001614296.9), dbSNP rs754110624, ClinGen allele CA10212295.